The following is an entry in ClinVar:

ClinVar aggregate classification (germline): Pathogenic (1 of 4 stars; one submission).

Submission:

CeGaT Center for Human Genetics Tuebingen
Classification: Pathogenic. Last evaluated: 2024-01-01. Review status: criteria provided, single submitter. Criteria: CeGaT Center For Human Genetics Tuebingen Variant Classification Criteria Version 2. Collection method: clinical testing. Allele origin: germline. Affected: yes. Observed: 1 variant allele.
Comment: DCC: PVS1, PM2

NM_005215.4(DCC):c.2205_2207delinsATGAT (p.Pro736Ter)

Gene: DCC (DCC netrin 1 receptor; plus strand). Cytogenetic location: 18q21.2.
Variant type: Indel.
Coding change: c.2205_2207delinsATGAT on transcript NM_005215.4 (MANE Select); coding-DNA positions 2205 to 2207, GCC replaced by ATGAT.
Protein change: p.Pro736Ter; replaces proline 736 with a stop codon.
Molecular consequence: nonsense.
Genome position (GRCh38, 1-based): chr18:53,339,753-53,339,755, GCC replaced by ATGAT. VCF-style: chr18-53339753-GCC-ATGAT. GRCh37 (hg19) VCF-style: chr18-50866123-GCC-ATGAT.
Other names: short protein forms P736*.
Identifiers: ClinVar variation 3027383 (VCV003027383.22), dbSNP rs2511450998, ClinGen allele CA2740091808.